The following is an entry in ClinVar:

NM_000057.4(BLM):c.2476G>A (p.Val826Met)

Gene: BLM (BLM RecQ like helicase; plus strand). Cytogenetic location: 15q26.1.
Variant type: single nucleotide variant.
Coding change: c.2476G>A on transcript NM_000057.4 (MANE Select); coding-DNA position 2476, G replaced by A.
Protein change: p.Val826Met; replaces valine 826 with methionine.
Molecular consequence: missense variant.
Genome position (GRCh38, 1-based): chr15:90,769,507, G>A. VCF-style: chr15-90769507-G-A. GRCh37 (hg19) VCF-style: chr15-91312737-G-A.
Other names: c.2476G>A, p.Val826Met (NM_001287246.2, NM_001287247.2); c.1351G>A, p.Val451Met (NM_001287248.2); short protein forms V451M, V826M.
Identifiers: ClinVar variation 3480914 (VCV003480914.1).

ClinVar aggregate classification (germline): Uncertain significance (1 of 4 stars; one submission).

Conditions:
Hereditary cancer-predisposing syndrome. Also called: Tumor predisposition; Neoplastic Syndromes, Hereditary; Hereditary Cancer Syndrome; Hereditary neoplastic syndrome. Identifiers: Orphanet 140162, MedGen C0027672, MeSH D009386, MONDO:0015356.

Submission:

Ambry Genetics
Classification: Uncertain significance for Hereditary cancer-predisposing syndrome. Last evaluated: 2024-12-08. Review status: criteria provided, single submitter. Criteria: Ambry Variant Classification Scheme 2023. Collection method: clinical testing. Allele origin: germline.
Comment: The p.V826M variant (also known as c.2476G>A), located in coding exon 11 of the BLM gene, results from a G to A substitution at nucleotide position 2476. The valine at codon 826 is replaced by methionine, an amino acid with highly similar properties. This amino acid position is conserved. In addition, this alteration is predicted to be tolerated by in silico analysis. Based on the available evidence, the clinical significance of this variant remains unclear.